The following is an entry in ClinVar:

ClinVar aggregate classification (germline): Likely benign (0 of 4 stars; one submission).

Conditions:
CHD3-related disorder. Also called: CHD3-related condition.

Allele frequency attached by ClinVar (database versions not stated): ExAC 0.00001; gnomAD exomes 0.00001; TOPMed 0.00001.
gnomAD v4.1: 8 of 1,609,730 alleles (0.0005%); highest among the groups gnomAD compares: Middle Eastern, 0.017%; no homozygotes.

Submission:

PreventionGenetics, part of Exact Sciences
Classification: Likely benign for CHD3-related condition. Last evaluated: 2019-07-08. Review status: no assertion criteria provided. Collection method: clinical testing. Allele origin: germline.
Comment: This variant is classified as likely benign based on ACMG/AMP sequence variant interpretation guidelines (Richards et al. 2015 PMID: 25741868, with internal and published modifications).

NM_001005273.3(CHD3):c.2148T>C (p.Asn716=)

Gene: CHD3 (chromodomain helicase DNA binding protein 3; plus strand). Cytogenetic location: 17p13.1.
Variant type: single nucleotide variant.
Coding change: c.2148T>C on transcript NM_001005273.3 (MANE Select); coding-DNA position 2148, T replaced by C.
Protein change: p.Asn716=; no amino-acid change (asparagine 716 retained).
Molecular consequence: synonymous variant.
Genome position (GRCh38, 1-based): chr17:7,898,592, T>C. VCF-style: chr17-7898592-T-C. GRCh37 (hg19) VCF-style: chr17-7801910-T-C.
Other names: c.2325T>C, p.Asn775= (NM_001005271.3); c.2148T>C, p.Asn716= (NM_005852.4).
Identifiers: ClinVar variation 3050516 (VCV003050516.2), dbSNP rs764643312, ClinGen allele CA8362815.